The following is an entry in ClinVar:

ClinVar aggregate classification (germline): Likely benign (1 of 4 stars; one submission).

Allele frequency attached by ClinVar (database versions not stated): TOPMed 0.00015; gnomAD exomes 0.00030; gnomAD 0.00040; 1000 Genomes Project 30x 0.00281; 1000 Genomes Project 0.00300.
gnomAD v4.1: 129 of 398,308 alleles (0.032%); highest among the groups gnomAD compares: South Asian, 0.97%; 3 homozygotes.

Submission:

CeGaT Center for Human Genetics Tuebingen
Classification: Likely benign. Last evaluated: 2026-09-01. Review status: criteria provided, single submitter. Criteria: CeGaT Center For Human Genetics Tuebingen Variant Classification Criteria Version 2. Collection method: clinical testing. Allele origin: germline. Affected: yes. Observed: 8 variant alleles.
Comment: KCNQ1OT1: BS2

NM_000218.3(KCNQ1):c.1393+33589C>A

Genes: KCNQ1 (potassium voltage-gated channel subfamily Q member 1; plus strand), KCNQ1OT1 (KCNQ1 opposite strand/antisense transcript 1; minus strand). Cytogenetic location: 11p15.5.
Variant type: single nucleotide variant.
Coding change: c.1393+33589C>A on transcript NM_000218.3 (MANE Select); 33589 bases into the intron after coding-DNA position 1393, C replaced by A.
Molecular consequence: intron variant. On other transcripts: non-coding transcript variant (1).
Genome position (GRCh38, 1-based): chr11:2,622,443, C>A. VCF-style: chr11-2622443-C-A. GRCh37 (hg19) VCF-style: chr11-2643673-C-A.
Other names: c.1123+33589C>A (NM_001406837.1); c.1297+33589C>A (NM_001406836.1); c.853+33589C>A (NM_001406838.1); c.1012+33589C>A (NM_181798.2).
Identifiers: ClinVar variation 2641388 (VCV002641388.24), dbSNP rs564574463, ClinGen allele CA216363106.
Genomic context (GRCh38, chr11:2,622,443, plus strand): 5'-ACTATTTGTATGAAATATCATTTTTCATTCTTTCACTTTCAATCTACTTGTGTCTTTAGA[C>A]CAAAAGTGAGTTTGTTATATACAGCATAGGTTGATGGTTTTCTTTTAAATCCATTCTGCC-3'